The following is an entry in ClinVar:

NM_002303.6(LEPR):c.3302C>T (p.Ser1101Leu)

Gene: LEPR (leptin receptor; plus strand). Cytogenetic location: 1p31.3.
Variant type: single nucleotide variant.
Coding change: c.3302C>T on transcript NM_002303.6 (MANE Select); coding-DNA position 3302, C replaced by T.
Protein change: p.Ser1101Leu; replaces serine 1101 with leucine.
Molecular consequence: missense variant.
Genome position (GRCh38, 1-based): chr1:65,636,819, C>T. VCF-style: chr1-65636819-C-T. GRCh37 (hg19) VCF-style: chr1-66102502-C-T.
Other names: short protein forms S1101L.
Identifiers: ClinVar variation 4986356 (VCV004986356.1), dbSNP rs267598694.

ClinVar aggregate classification (germline): Uncertain significance (1 of 4 stars; one submission).

Conditions:
LEPR-related disorder. Also called: LEPR-related disorders; LEPR-related condition.

gnomAD v4.1: 39 of 1,613,682 alleles (0.0024%); highest among the groups gnomAD compares: Non-Finnish European, 0.0029%; no homozygotes.

Submission:

PreventionGenetics, part of Exact Sciences
Classification: Uncertain significance for LEPR-related condition. Last evaluated: 2025-01-23. Review status: criteria provided, single submitter. Criteria: ACMG Guidelines, 2015. Collection method: clinical testing. Allele origin: germline.
Comment: The LEPR c.3302C>T variant is predicted to result in the amino acid substitution p.Ser1101Leu. This variant was observed in a cohort of individuals with obesity, and in vitro functional studies showed function similar to wild-type levels (Supplemental Data Set, Shah et al. 2023. PubMed ID: 36864747).This variant is reported in 0.0054% of alleles in individuals of East Asian descent in gnomAD. At this time, the clinical significance of this variant is uncertain due to the absence of conclusive functional and genetic evidence.